The following is an entry in ClinVar:

NM_020778.5(ALPK3):c.2094G>T (p.Met698Ile)

Gene: ALPK3 (alpha kinase 3; plus strand). Cytogenetic location: 15q25.3.
Variant type: single nucleotide variant.
Coding change: c.2094G>T on transcript NM_020778.5 (MANE Select); coding-DNA position 2094, G replaced by T.
Protein change: p.Met698Ile; replaces methionine 698 with isoleucine.
Molecular consequence: missense variant.
Genome position (GRCh38, 1-based): chr15:84,856,832, G>T. VCF-style: chr15-84856832-G-T. GRCh37 (hg19) VCF-style: chr15-85400063-G-T.
Other names: short protein forms M698I.
Identifiers: ClinVar variation 1719401 (VCV001719401.5), dbSNP rs1330180462, ClinGen allele CA393355908.
Genomic context (GRCh38, chr15:84,856,832, plus strand): 5'-GAAGATACAGGAAGACAGGAAGGCCCAGGCAGATAAGGGCACACAGGAAGACAGAAGGAT[G>T]CAGGGAGAGAAGGGGATGCAGGGAGAGAAGGGGACGCAGTCAGAGGGGAGCGCGCCCACA-3'
Protein context (NP_065829.4, residues 688-708): ADKGTQEDRR[Met698Ile]QGEKGMQGEK

ClinVar aggregate classification (germline): Uncertain significance (1 of 4 stars; one submission).

gnomAD v4.1: 2 of 1,613,608 alleles (0.00012%); highest among the groups gnomAD compares: Non-Finnish European, 0.00017%; no homozygotes.

Submission:

Labcorp Genetics (formerly Invitae), Labcorp
Classification: Uncertain significance. Last evaluated: 2022-09-14. Review status: criteria provided, single submitter. Criteria: Invitae Variant Classification Sherloc (09022015). Collection method: clinical testing. Allele origin: germline.
Comment: Algorithms developed to predict the effect of missense changes on protein structure and function output the following: SIFT: "Deleterious"; PolyPhen-2: "Not Available"; Align-GVGD: "Class C0". The isoleucine amino acid residue is found in multiple mammalian species, which suggests that this missense change does not adversely affect protein function. This sequence change replaces methionine, which is neutral and non-polar, with isoleucine, which is neutral and non-polar, at codon 900 of the ALPK3 protein (p.Met900Ile). This variant is present in population databases (no rsID available, gnomAD 0.007%). This variant has not been reported in the literature in individuals affected with ALPK3-related conditions. In summary, the available evidence is currently insufficient to determine the role of this variant in disease. Therefore, it has been classified as a Variant of Uncertain Significance.